The following is an entry in ClinVar:

ClinVar aggregate classification (germline): Pathogenic. Review status: criteria provided, multiple submitters, no conflicts (2 of 4 stars). 3 submissions from 3 submitters: Pathogenic (2). 1 of the submissions does not count toward it. Last evaluated 2024-03-26.

Conditions:
Polycystic kidney disease 4 (PKD4). Also called: POLYCYSTIC KIDNEY AND HEPATIC DISEASE 1; POLYCYSTIC KIDNEY DISEASE, INFANTILE, TYPE I; POLYCYSTIC KIDNEY DISEASE 4 WITH OR WITHOUT POLYCYSTIC LIVER DISEASE; PKD3; Autosomal Recessive Polycystic Kidney Disease – PKHD1. Identifiers: MedGen C4540575, MONDO:0033004, OMIM 263200.
Autosomal recessive polycystic kidney disease (ARPKD). Also called: AR polycystic kidney disease. Identifiers: Orphanet 731, Orphanet 8378, MedGen C0085548, MeSH D017044, MONDO:0009889.

Submissions (3):

Fulgent Genetics
Classification: Pathogenic for Polycystic kidney disease 4. Last evaluated: 2024-03-26. Review status: criteria provided, single submitter. Criteria: ACMG Guidelines, 2015. Collection method: clinical testing. Allele origin: germline.

Labcorp Genetics (formerly Invitae), Labcorp
Classification: Pathogenic for Autosomal recessive polycystic kidney disease. Last evaluated: 2023-10-26. Review status: criteria provided, single submitter. Criteria: Invitae Variant Classification Sherloc (09022015). Collection method: clinical testing. Allele origin: germline.
Comment: This sequence change creates a premature translational stop signal (p.Ser1105Profs*2) in the PKHD1 gene. It is expected to result in an absent or disrupted protein product. Loss-of-function variants in PKHD1 are known to be pathogenic (PMID: 19940839). This variant is not present in population databases (gnomAD no frequency). This premature translational stop signal has been observed in individual(s) with polycystic kidney disease (PMID: 35778421). ClinVar contains an entry for this variant (Variation ID: 370990). For these reasons, this variant has been classified as Pathogenic.

Counsyl
Classification: Likely pathogenic for Polycystic kidney disease 4. Last evaluated: 2016-06-01. Review status: no assertion criteria provided. Collection method: clinical testing. Allele origin: unknown. Not counted in ClinVar's aggregate classification.

Literature cited by the submitters: PubMed 19940839 (cited by Labcorp Genetics (formerly Invitae), Labcorp); PubMed 35778421 (cited by Labcorp Genetics (formerly Invitae), Labcorp).

NM_138694.4(PKHD1):c.3313del (p.Ser1105fs)

Gene: PKHD1 (PKHD1 ciliary IPT domain containing fibrocystin/polyductin; minus strand). Cytogenetic location: 6p12.2.
Variant type: Deletion.
Coding change: c.3313del on transcript NM_138694.4 (MANE Select); coding-DNA position 3313, one base deleted (T; older notation c.3313delT).
Protein change: p.Ser1105fs; shifts the reading frame from serine 1105.
Molecular consequence: frameshift variant.
Genome position (GRCh38, 1-based): chr6:52,033,081, A deleted on the plus strand (T on the coding strand, the reverse complement: PKHD1 is on the minus strand); the first of 2 consecutive A bases (chr6:52,033,081-52,033,082); deleting either gives the same sequence. VCF-style (leftmost placement, unchanged base first): chr6-52033080-GA-G. GRCh37 (hg19) VCF-style: chr6-51897878-GA-G.
Other names: c.3313del, p.Ser1105fs (NM_170724.3); short protein forms S1105fs.
Identifiers: ClinVar variation 370990 (VCV000370990.11), dbSNP rs1057516922, ClinGen allele CA16041060.
Genomic context (GRCh38, chr6:52,033,080, plus strand): 5'-CATATTTTACCTGCTATATTGCTTATGTTTCTGCTCAGAGTCACAATAACTGGATTTAAG[GA>G]AGAGACATATGTAAATGCTCTGGGAAGAACTGCAGAATAGTCCCCTCTGATCACAGTCAC-3'